The following is an entry in ClinVar:

ClinVar aggregate classification (germline): Conflicting classifications of pathogenicity. Review status: criteria provided, conflicting classifications (1 of 4 stars). 3 submissions from 3 submitters: Uncertain significance (2); Likely benign (1). Last evaluated 2023-04-07.

Conditions:
ACTN2-related disorder. Also called: ACTN2-related disorders; ACTN2 related condition.
Primary familial hypertrophic cardiomyopathy (HCM). Identifiers: Orphanet 99739, MedGen C0949658, MeSH D024741, MONDO:0024573. Inheritance: Various modes of inheritance.
Dilated cardiomyopathy 1AA (CMD1AA). Also called: Cardiomyopathy, dilated, 1AA, with or without LVNC; CARDIOMYOPATHY, DILATED, 1AA, WITH OR WITHOUT LEFT VENTRICULAR NONCOMPACTION; CARDIOMYOPATHY, FAMILIAL HYPERTROPHIC, 23, WITH OR WITHOUT LEFT VENTRICULAR NONCOMPACTION. Identifiers: Orphanet 154, MedGen C2677338, MONDO:0012808, OMIM 612158.
Cardiovascular phenotype. Identifiers: MedGen CN230736.

Allele frequency attached by ClinVar (database versions not stated): gnomAD exomes below 0.00001; TOPMed below 0.00001; gnomAD 0.00001.
gnomAD v4.1: 3 of 1,614,058 alleles (0.00019%); highest among the groups gnomAD compares: Admixed American, 0.005%; no homozygotes.

Submissions (3):

PreventionGenetics, part of Exact Sciences
Classification: Uncertain significance for ACTN2-related condition. Last evaluated: 2023-04-07. Review status: criteria provided, single submitter. Criteria: ACMG Guidelines, 2015. Collection method: clinical testing. Allele origin: germline.
Comment: The ACTN2 c.1228G>T variant is predicted to result in the amino acid substitution p.Ala410Ser. To our knowledge, this variant has not been reported in the literature. This variant is reported in 0.0% of alleles in individuals of African descent in gnomAD. At this time, the clinical significance of this variant is uncertain due to the absence of conclusive functional and genetic evidence.

Ambry Genetics
Classification: Uncertain significance for Cardiovascular phenotype. Last evaluated: 2022-12-16. Review status: criteria provided, single submitter. Criteria: Ambry Variant Classification Scheme 2023. Collection method: clinical testing. Allele origin: germline.
Comment: The p.A410S variant (also known as c.1228G>T), located in coding exon 11 of the ACTN2 gene, results from a G to T substitution at nucleotide position 1228. The alanine at codon 410 is replaced by serine, an amino acid with similar properties. This amino acid position is conserved. In addition, this alteration is predicted to be tolerated by in silico analysis. Since supporting evidence is limited at this time, the clinical significance of this alteration remains unclear.

Labcorp Genetics (formerly Invitae), Labcorp
Classification: Likely benign for Primary familial hypertrophic cardiomyopathy; Dilated cardiomyopathy 1AA. Last evaluated: 2022-03-09. Review status: criteria provided, single submitter. Criteria: Invitae Variant Classification Sherloc (09022015). Collection method: clinical testing. Allele origin: germline.

NM_001103.4(ACTN2):c.1228G>T (p.Ala410Ser)

Gene: ACTN2 (actinin alpha 2; plus strand). Cytogenetic location: 1q43.
Variant type: single nucleotide variant.
Coding change: c.1228G>T on transcript NM_001103.4 (MANE Select); coding-DNA position 1228, G replaced by T.
Protein change: p.Ala410Ser; replaces alanine 410 with serine.
Molecular consequence: missense variant.
Genome position (GRCh38, 1-based): chr1:236,743,016, G>T. VCF-style: chr1-236743016-G-T. GRCh37 (hg19) VCF-style: chr1-236906316-G-T.
Other names: c.1228G>T (NM_001103.2, NM_001103.3); c.1228G>T, p.Ala410Ser (NM_001278343.2); c.604G>T, p.Ala202Ser (NM_001278344.2); short protein forms A202S, A410S.
Identifiers: ClinVar variation 1057182 (VCV001057182.12), dbSNP rs1258500915, ClinGen allele CA345382456.